The following is an entry in ClinVar:

NC_000020.10:g.(?_31368130)_(34287210_?)del

Genes: ACSS2 (acyl-CoA synthetase short chain family member 2; plus strand), ACTL10 (actin like 10; plus strand), AHCY (adenosylhomocysteinase; minus strand), ASIP (agouti signaling protein; plus strand), BPIFA1 (BPI fold containing family A member 1; plus strand) and 48 more. Cytogenetic location: 20q11.21-11.22.
Variant type: Deletion.
Identifiers: ClinVar variation 3248260 (VCV003248260.1).

ClinVar aggregate classification (germline): Pathogenic (1 of 4 stars; one submission).

Conditions:
Glutathione synthetase deficiency with 5-oxoprolinuria. Also called: PYROGLUTAMIC ACIDURIA; 5-Oxoprolinuria; Gluthathione synthetase deficiency; 5-OXOPROLINURIA DUE TO GLUTATHIONE SYNTHETASE DEFICIENCY; Reduced glutathione synthetase level. Identifiers: Orphanet 289846, MedGen C0398746, MONDO:0009947, OMIM 266130, HP:0003343.

Submission:

Labcorp Genetics (formerly Invitae), Labcorp
Classification: Pathogenic for Glutathione synthetase deficiency with 5-oxoprolinuria. Last evaluated: 2024-01-12. Review status: criteria provided, single submitter. Criteria: Invitae Variant Classification Sherloc (09022015). Collection method: clinical testing. Allele origin: unknown.
Comment: A gross deletion of the genomic region encompassing the full coding sequence of the GSS gene has been identified. Loss-of-function variants in GSS are known to be pathogenic (PMID: 12638941, 15717202). The boundaries of this event are unknown as they extend beyond the assayed region for this gene and therefore may encompass additional genes. This variant has not been reported in the literature in individuals affected with GSS-related conditions. For these reasons, this variant has been classified as Pathogenic.

Literature cited by the submitters: PubMed 12638941; PubMed 15717202.